The following is an entry in ClinVar:

ClinVar aggregate classification (germline): Uncertain significance. Review status: criteria provided, multiple submitters, no conflicts (2 of 4 stars). 4 submissions from 4 submitters: Uncertain significance (3). 1 of the submissions does not count toward it. Last evaluated 2024-09-08.

Conditions:
Glycine encephalopathy. Also called: Nonketotic hyperglycinemia; Non-ketotic hyperglycinemia. Identifiers: Orphanet 407, MedGen C0751748, MONDO:0011612, HP:0008288.

Allele frequency attached by ClinVar (database versions not stated): gnomAD exomes 0.00001; TOPMed 0.00002; ESP Exome Variant Server 0.00008; 1000 Genomes Project 30x 0.00016.
gnomAD v4.1: 17 of 1,586,598 alleles (0.0011%); highest among the groups gnomAD compares: African/African-American, 0.019%; no homozygotes.

Submissions (4):

Women's Health and Genetics/Laboratory Corporation of America, LabCorp
Classification: Uncertain significance. Last evaluated: 2024-09-08. Review status: criteria provided, single submitter. Criteria: LabCorp Variant Classification Summary - May 2015. Collection method: clinical testing. Allele origin: germline.

GeneDx
Classification: Uncertain significance. Last evaluated: 2024-03-26. Review status: criteria provided, single submitter. Criteria: GeneDx Variant Classification Process June 2021. Collection method: clinical testing. Allele origin: germline. Affected: yes.
Comment: Not observed at significant frequency in large population cohorts (gnomAD); In silico analysis supports that this variant does not alter splicing; Has not been previously published as pathogenic or benign to our knowledge

Labcorp Genetics (formerly Invitae), Labcorp
Classification: Uncertain significance for Glycine encephalopathy. Last evaluated: 2022-06-30. Review status: criteria provided, single submitter. Criteria: Invitae Variant Classification Sherloc (09022015). Collection method: clinical testing. Allele origin: germline.
Comment: This sequence change falls in intron 1 of the GLDC gene. It does not directly change the encoded amino acid sequence of the GLDC protein. It affects a nucleotide within the consensus splice site. The frequency data for this variant in the population databases is considered unreliable, as metrics indicate poor data quality at this position in the gnomAD database. This variant has not been reported in the literature in individuals affected with GLDC-related conditions. ClinVar contains an entry for this variant (Variation ID: 1036672). Variants that disrupt the consensus splice site are a relatively common cause of aberrant splicing (PMID: 17576681, 9536098). Algorithms developed to predict the effect of sequence changes on RNA splicing suggest that this variant is not likely to affect RNA splicing. In summary, the available evidence is currently insufficient to determine the role of this variant in disease. Therefore, it has been classified as a Variant of Uncertain Significance.

Natera, Inc.
Classification: Uncertain significance for Non-ketotic hyperglycinemia. Last evaluated: 2020-03-05. Review status: no assertion criteria provided. Collection method: clinical testing. Allele origin: germline. Not counted in ClinVar's aggregate classification.

Literature cited by the submitters: PubMed 17576681 (cited by Labcorp Genetics (formerly Invitae), Labcorp); PubMed 9536098 (cited by Labcorp Genetics (formerly Invitae), Labcorp).

NM_000170.3(GLDC):c.255+5G>T

Gene: GLDC (glycine decarboxylase; minus strand). Cytogenetic location: 9p24.1.
Variant type: single nucleotide variant.
Coding change: c.255+5G>T on transcript NM_000170.3 (MANE Select); 5 bases into the intron after coding-DNA position 255, G replaced by T.
Molecular consequence: intron variant.
Genome position (GRCh38, 1-based): chr9:6,645,240, C>A on the plus strand (G>T on the coding strand, the complement: GLDC is on the minus strand). VCF-style: chr9-6645240-C-A. GRCh37 (hg19) VCF-style: chr9-6645240-C-A.
Identifiers: ClinVar variation 1036672 (VCV001036672.7), dbSNP rs372569318, ClinGen allele CA4981256.